The following is an entry in ClinVar:

ClinVar aggregate classification (germline): Uncertain significance. Review status: criteria provided, multiple submitters, no conflicts (2 of 4 stars). 2 submissions from 2 submitters: Uncertain significance (2). Last evaluated 2025-03-03.

Conditions:
Hereditary cancer-predisposing syndrome. Also called: Neoplastic Syndromes, Hereditary; Hereditary Cancer Syndrome; Hereditary neoplastic syndrome; Tumor predisposition. Identifiers: Orphanet 140162, MedGen C0027672, MeSH D009386, MONDO:0015356.

Allele frequency attached by ClinVar (database versions not stated): gnomAD exomes below 0.00001.
gnomAD v4.1: 2 of 1,613,480 alleles (0.00012%); highest among the groups gnomAD compares: Non-Finnish European, 0.00017%; no homozygotes.

Submissions (2):

Ambry Genetics
Classification: Uncertain significance for Hereditary cancer-predisposing syndrome. Last evaluated: 2025-03-03. Review status: criteria provided, single submitter. Criteria: Ambry Variant Classification Scheme 2023. Collection method: clinical testing. Allele origin: germline.
Comment: The p.S820F variant (also known as c.2459C>T), located in coding exon 18 of the MSH3 gene, results from a C to T substitution at nucleotide position 2459. The serine at codon 820 is replaced by phenylalanine, an amino acid with highly dissimilar properties. This amino acid position is conserved. In addition, this alteration is predicted to be tolerated by in silico analysis. Based on the available evidence, the clinical significance of this variant remains unclear.

Labcorp Genetics (formerly Invitae), Labcorp
Classification: Uncertain significance. Last evaluated: 2022-03-10. Review status: criteria provided, single submitter. Criteria: Invitae Variant Classification Sherloc (09022015). Collection method: clinical testing. Allele origin: germline.
Comment: This sequence change replaces serine, which is neutral and polar, with phenylalanine, which is neutral and non-polar, at codon 820 of the MSH3 protein (p.Ser820Phe). This variant is not present in population databases (gnomAD no frequency). This variant has not been reported in the literature in individuals affected with MSH3-related conditions. Algorithms developed to predict the effect of missense changes on protein structure and function are either unavailable or do not agree on the potential impact of this missense change (SIFT: "Tolerated"; PolyPhen-2: "Possibly Damaging"; Align-GVGD: "Class C0"). In summary, the available evidence is currently insufficient to determine the role of this variant in disease. Therefore, it has been classified as a Variant of Uncertain Significance.

NM_002439.5(MSH3):c.2459C>T (p.Ser820Phe)

Gene: MSH3 (mutS homolog 3; plus strand). Cytogenetic location: 5q14.1.
Variant type: single nucleotide variant.
Coding change: c.2459C>T on transcript NM_002439.5 (MANE Select); coding-DNA position 2459, C replaced by T.
Protein change: p.Ser820Phe; replaces serine 820 with phenylalanine.
Molecular consequence: missense variant.
Genome position (GRCh38, 1-based): chr5:80,787,588, C>T. VCF-style: chr5-80787588-C-T. GRCh37 (hg19) VCF-style: chr5-80083407-C-T.
Other names: c.2459C>T (NM_002439.3); short protein forms S820F.
Identifiers: ClinVar variation 2045999 (VCV002045999.2), dbSNP rs2546784298, ClinGen allele CA360283056.